The following is an entry in ClinVar:

NM_000540.3(RYR1):c.4935-2A>T

Gene: RYR1 (ryanodine receptor 1; plus strand). Cytogenetic location: 19q13.2.
Variant type: single nucleotide variant.
Coding change: c.4935-2A>T on transcript NM_000540.3 (MANE Select); the canonical splice acceptor site of the intron before coding-DNA position 4935, A replaced by T.
Molecular consequence: splice acceptor variant.
Genome position (GRCh38, 1-based): chr19:38,485,588, A>T. VCF-style: chr19-38485588-A-T. GRCh37 (hg19) VCF-style: chr19-38976228-A-T.
Other names: c.4935-2A>T (NM_001042723.2).
Identifiers: ClinVar variation 935390 (VCV000935390.10), dbSNP rs1969238474, ClinGen allele CA405652355.
Genomic context (GRCh38, chr19:38,485,588, plus strand): 5'-TGGCTTGACTGATGCAGGAGGCTCATTCATCTGTCCCTGTCTGTTTCCCACCTCTGCTGC[A>T]GGTGCATGGACATCCTGGAGCTGTCGGAGCGCCTGGACCTGCAGCGCTTCCACTCGCACA-3'

ClinVar aggregate classification (germline): Likely pathogenic. Review status: criteria provided, multiple submitters, no conflicts (2 of 4 stars). 2 submissions from 2 submitters: Likely pathogenic (2). Last evaluated 2026-03-12.

Conditions:
RYR1-related disorder. Also called: RYR1-related condition; RYR1-related disorders. Identifiers: MedGen CN239331.

Submissions (2):

GeneDx
Classification: Likely pathogenic. Last evaluated: 2026-03-12. Review status: criteria provided, single submitter. Criteria: GeneDx Variant Classification Process June 2021. Collection method: clinical testing. Allele origin: germline.
Comment: Canonical splice site variant predicted to result in a null allele in a gene for which loss of function is a known mechanism of disease; Not observed at significant frequency in large population cohorts (gnomAD); Has not been previously published as pathogenic or benign to our knowledge

Labcorp Genetics (formerly Invitae), Labcorp
Classification: Likely pathogenic for RYR1-related disorder. Last evaluated: 2022-07-11. Review status: criteria provided, single submitter. Criteria: Invitae Variant Classification Sherloc (09022015). Collection method: clinical testing. Allele origin: germline.
Comment: This variant is not present in population databases (gnomAD no frequency). This sequence change affects an acceptor splice site in intron 33 of the RYR1 gene. It is expected to disrupt RNA splicing. Variants that disrupt the donor or acceptor splice site typically lead to a loss of protein function (PMID: 16199547), and loss-of-function variants in RYR1 are known to be pathogenic (PMID: 20583297, 20839240, 23919265, 28818389). This variant has not been reported in the literature in individuals affected with RYR1-related conditions. ClinVar contains an entry for this variant (Variation ID: 935390). Algorithms developed to predict the effect of sequence changes on RNA splicing suggest that this variant may disrupt the consensus splice site. In summary, the currently available evidence indicates that the variant is pathogenic, but additional data are needed to prove that conclusively. Therefore, this variant has been classified as Likely Pathogenic.

Literature cited by the submitters: PubMed 16199547 (cited by Labcorp Genetics (formerly Invitae), Labcorp); PubMed 20583297 (cited by Labcorp Genetics (formerly Invitae), Labcorp); PubMed 20839240 (cited by Labcorp Genetics (formerly Invitae), Labcorp); PubMed 23919265 (cited by Labcorp Genetics (formerly Invitae), Labcorp); PubMed 28818389 (cited by Labcorp Genetics (formerly Invitae), Labcorp).